The following is an entry in ClinVar:

NM_006206.6(PDGFRA):c.*1561T>C

Gene: PDGFRA (platelet derived growth factor receptor alpha; plus strand). Cytogenetic location: 4q12.
Variant type: single nucleotide variant.
Coding change: c.*1561T>C on transcript NM_006206.6 (MANE Select); 1561 bases downstream of the stop codon, T replaced by C.
Molecular consequence: 3 prime UTR variant.
Genome position (GRCh38, 1-based): chr4:54,296,833, T>C. VCF-style: chr4-54296833-T-C. GRCh37 (hg19) VCF-style: chr4-55163000-T-C.
Other names: c.*1561T>C (NM_001347828.2, NM_001347829.2, NM_001347830.2).
Identifiers: ClinVar variation 348932 (VCV000348932.5), dbSNP rs145328998, ClinGen allele CA10618822.

ClinVar aggregate classification (germline): Benign/Likely benign. Review status: criteria provided, single submitter (1 of 4 stars). 2 submissions from 1 submitter: Benign (1); Likely benign (1). Last evaluated 2018-01-12.

Conditions:
Gastrointestinal stromal tumor. Also called: Gastrointestinal stromal tumor, somatic; Gastrointestinal stroma tumor. Identifiers: Orphanet 44890, MedGen C0238198, MeSH D046152, MONDO:0011719, OMIM 606764, HP:0100723.
Idiopathic hypereosinophilic syndrome (HES). Identifiers: Orphanet 3260, MedGen C0206141, MONDO:0011895, OMIM 607685. Disease mechanism: gain of function.

Allele frequency attached by ClinVar (database versions not stated): gnomAD 0.00025 and 0.00032; TOPMed 0.00040; gnomAD exomes 0.00050; 1000 Genomes Project 0.00060; 1000 Genomes Project 30x 0.00094.
gnomAD v4.1: 89 of 233,014 alleles (0.038%); highest among the groups gnomAD compares: East Asian, 0.46%; 1 homozygote.

Submissions (2):

Illumina Laboratory Services, Illumina
Classification: Likely benign for Gastrointestinal stromal tumor. Last evaluated: 2018-01-12. Review status: criteria provided, single submitter. Criteria: ICSL Variant Classification Criteria 13 December 2019. Collection method: clinical testing. Allele origin: germline.
Comment: This variant was observed in the ICSL laboratory as part of a predisposition screen in an ostensibly healthy population. It had not been previously curated by ICSL or reported in the Human Gene Mutation Database (HGMD: prior to June 1st, 2018), and was therefore a candidate for classification through an automated scoring system. Utilizing variant allele frequency, disease prevalence and penetrance estimates, and inheritance mode, an automated score was calculated to assess if this variant is too frequent to cause the disease. Based on the score and internal cut-off values, a variant classified as likely benign is not then subjected to further curation. The score for this variant resulted in a classification of likely benign for this disease.

Illumina Laboratory Services, Illumina
Classification: Benign for Idiopathic hypereosinophilic syndrome. Last evaluated: 2018-01-12. Review status: criteria provided, single submitter. Criteria: ICSL Variant Classification Criteria 13 December 2019. Collection method: clinical testing. Allele origin: germline.
Comment: This variant was observed in the ICSL laboratory as part of a predisposition screen in an ostensibly healthy population. It had not been previously curated by ICSL or reported in the Human Gene Mutation Database (HGMD: prior to June 1st, 2018), and was therefore a candidate for classification through an automated scoring system. Utilizing variant allele frequency, disease prevalence and penetrance estimates, and inheritance mode, an automated score was calculated to assess if this variant is too frequent to cause the disease. Based on the score and internal cut-off values, a variant classified as benign is not then subjected to further curation. The score for this variant resulted in a classification of benign for this disease.